The following is an entry in ClinVar:

NM_000038.6(APC):c.600G>A (p.Met200Ile)

Gene: APC (APC regulator of Wnt signaling pathway; plus strand). Cytogenetic location: 5q22.2.
Variant type: single nucleotide variant.
Coding change: c.600G>A on transcript NM_000038.6 (MANE Select); coding-DNA position 600, G replaced by A.
Protein change: p.Met200Ile; replaces methionine 200 with isoleucine.
Molecular consequence: missense variant. On other transcripts: 5 prime UTR variant (4), non-coding transcript variant (2).
Genome position (GRCh38, 1-based): chr5:112,780,858, G>A. VCF-style: chr5-112780858-G-A. GRCh37 (hg19) VCF-style: chr5-112116555-G-A.
Other names: c.600G>A, p.Met200Ile (NM_001127510.3, NM_001354895.2, NM_001354896.2 and 16 more transcripts); c.630G>A, p.Met210Ile (NM_001127511.3, NM_001354897.2, NM_001354902.2 and 1 more transcripts); c.525G>A, p.Met175Ile (NM_001354898.2, NM_001354904.2, NM_001407451.1); c.423G>A, p.Met141Ile (NM_001354900.2, NM_001354901.2, NM_001354905.2 and 1 more transcripts); c.-436G>A (NM_001354906.2, NM_001407470.1, NM_001407471.1 and 1 more transcripts); short protein forms M141I, M175I, M200I, M210I.
Identifiers: ClinVar variation 3230828 (VCV003230828.1), dbSNP rs1561485739, ClinGen allele CA16022647.

ClinVar aggregate classification (germline): Uncertain significance (1 of 4 stars; one submission).

Conditions:
Hereditary cancer-predisposing syndrome. Also called: Neoplastic Syndromes, Hereditary; Tumor predisposition; Hereditary neoplastic syndrome; Hereditary Cancer Syndrome. Identifiers: Orphanet 140162, MedGen C0027672, MeSH D009386, MONDO:0015356.

Submission:

Ambry Genetics
Classification: Uncertain significance for Hereditary cancer-predisposing syndrome. Last evaluated: 2023-12-13. Review status: criteria provided, single submitter. Criteria: Ambry Variant Classification Scheme 2023. Collection method: clinical testing. Allele origin: germline.
Comment: The p.M200I variant (also known as c.600G>A), located in coding exon 5 of the APC gene, results from a G to A substitution at nucleotide position 600. The methionine at codon 200 is replaced by isoleucine, an amino acid with highly similar properties. This amino acid position is highly conserved in available vertebrate species. In addition, in silico predictors for this gene do not accurately predict pathogenicity. Since supporting evidence is limited at this time, the clinical significance of this alteration remains unclear.